The following is an entry in ClinVar:

ClinVar aggregate classification (germline): Pathogenic. Review status: criteria provided, multiple submitters, no conflicts (2 of 4 stars). 2 submissions from 2 submitters: Pathogenic (2). Last evaluated 2024-11-22.

Conditions:
Lynch syndrome 5 (LYNCH5). Also called: Colorectal cancer, hereditary nonpolyposis, type 5; Hereditary non-polyposis colorectal cancer, type 5. Identifiers: Orphanet 144, MedGen C1833477, MONDO:0013710, OMIM 614350. Disease mechanism: loss of function.
Hereditary cancer-predisposing syndrome. Also called: Hereditary neoplastic syndrome; Tumor predisposition; Hereditary Cancer Syndrome; Neoplastic Syndromes, Hereditary. Identifiers: Orphanet 140162, MedGen C0027672, MeSH D009386, MONDO:0015356.

Submissions (2):

Ambry Genetics
Classification: Pathogenic for Hereditary cancer-predisposing syndrome. Last evaluated: 2024-11-22. Review status: criteria provided, single submitter. Criteria: Ambry Variant Classification Scheme 2023. Collection method: clinical testing. Allele origin: germline.
Comment: The c.2580delT pathogenic mutation, located in coding exon 4 of the MSH6 gene, results from a deletion of one nucleotide at nucleotide position 2580, causing a translational frameshift with a predicted alternate stop codon (p.A861Lfs*7). This variant is considered to be rare based on population cohorts in the Genome Aggregation Database (gnomAD). This alteration is expected to result in loss of function by premature protein truncation or nonsense-mediated mRNA decay. As such, this alteration is interpreted as a disease-causing mutation.

Myriad Genetics, Inc.
Classification: Pathogenic for Lynch syndrome 5. Last evaluated: 2023-06-26. Review status: criteria provided, single submitter. Criteria: Myriad Autosomal Dominant, Autosomal Recessive and X-Linked Classification Criteria (2023). Collection method: clinical testing. Allele origin: unknown.
Comment: This variant is considered pathogenic. This variant creates a frameshift predicted to result in premature protein truncation.

NM_000179.3(MSH6):c.2580del (p.Ala861fs)

Gene: MSH6 (mutS homolog 6; plus strand). Cytogenetic location: 2p16.3.
Variant type: Deletion.
Coding change: c.2580del on transcript NM_000179.3 (MANE Select); coding-DNA position 2580, one base deleted (T; older notation c.2580delT).
Protein change: p.Ala861fs; shifts the reading frame from alanine 861.
Molecular consequence: frameshift variant. On other transcripts: non-coding transcript variant (5), intron variant (3).
Genome position (GRCh38, 1-based): chr2:47,800,563, T deleted. VCF-style (leftmost placement, unchanged base first): chr2-47800562-CT-C. GRCh37 (hg19) VCF-style: chr2-48027701-CT-C.
Other names: c.2190del, p.Ala731fs (NM_001281492.2); c.1674del, p.Ala559fs (NM_001281493.2, NM_001281494.2, NM_001406811.1 and 6 more transcripts); c.2676del, p.Ala893fs (NM_001406795.1, NM_001406802.1); c.2580del, p.Ala861fs (NM_001406796.1, NM_001406798.1, NM_001406800.1 and 2 more transcripts); c.2283del, p.Ala762fs (NM_001406797.1, NM_001406801.1, NM_001406805.1 and 10 more transcripts); c.2055del, p.Ala686fs (NM_001406799.1, NM_001406806.1, NM_001406807.1); c.2502del, p.Ala835fs (NM_001406804.1); c.2586del, p.Ala863fs (NM_001406813.1); and 4 more; short protein forms A559fs, A686fs, A731fs, A762fs, A805fs, A835fs, A861fs, A863fs.
Identifiers: ClinVar variation 2583855 (VCV002583855.3), dbSNP rs2530681071, ClinGen allele CA2582342392.